The following is an entry in ClinVar:

ClinVar aggregate classification (germline): Pathogenic (1 of 4 stars; one submission).

Submission:

GeneDx
Classification: Pathogenic. Last evaluated: 2018-01-05. Review status: criteria provided, single submitter. Criteria: GeneDx Variant Classification (06012015). Collection method: clinical testing. Allele origin: germline. Affected: yes.
Comment: The c.1492_1495delAATG variant in the JAG1 gene has been reported previously in association with Alagille syndrome (Warthen et al., 2006; Oda et al., 1997). The c.1492_1495delAATG variant causes a frameshift starting with codon Asparagine 498, changes this amino acid to a Glycine residue, and creates a premature Stop codon at position 65 of the new reading frame, denoted p.Asn498GlyfsX65. This variant is predicted to cause loss of normal protein function either through protein truncation or nonsense-mediated mRNA decay. The c.1492_1495delAATG variant is not observed in large population cohorts (Lek et al., 2016). We interpret c.1492_1495delAATG as a pathogenic variant.

NM_000214.3(JAG1):c.1492_1495del (p.Asn498fs)

Gene: JAG1 (jagged canonical Notch ligand 1; minus strand). Cytogenetic location: 20p12.2.
Variant type: Deletion.
Coding change: c.1492_1495del on transcript NM_000214.3 (MANE Select); coding-DNA positions 1492 to 1495, 4 bases deleted (AATG; older notation c.1492_1495delAATG).
Protein change: p.Asn498fs; shifts the reading frame from asparagine 498.
Molecular consequence: frameshift variant.
Genome position (GRCh38, 1-based): chr20:10,648,623-10,648,626, CATT deleted on the plus strand (AATG on the coding strand, the reverse complement: JAG1 is on the minus strand); deleting any 4 consecutive bases within chr20:10,648,623-10,648,628 gives the same sequence; the c. name uses the placement nearest the transcript's 3' end. VCF-style (leftmost placement, unchanged base first): chr20-10648622-CCATT-C. GRCh37 (hg19) VCF-style: chr20-10629270-CCATT-C.
Other names: c.1492_1495del, p.Asn498fs (LRG_1191t1); short protein forms N498fs.
Identifiers: ClinVar variation 503693 (VCV000503693.2), dbSNP rs1555828646, ClinGen allele CA658799335.
Genomic context (GRCh38, chr20:10,648,622, plus strand): 5'-CCAGAGAAACCAGTGGGACACAGACACTGGAATCTGTTGATTTCATTCTGACAGTGACCC[CCATT>C]CAAACAGGGGTTGCTGGCACATTCATCGATGTCTCTCTCACAGTGATCGCCTGCATAGCC-3'